The following is an entry in ClinVar:

NM_004977.3(KCNC3):c.1991A>T (p.Asn664Ile)

Gene: KCNC3 (potassium voltage-gated channel subfamily C member 3; minus strand). Cytogenetic location: 19q13.33.
Variant type: single nucleotide variant.
Coding change: c.1991A>T on transcript NM_004977.3 (MANE Select); coding-DNA position 1991, A replaced by T.
Protein change: p.Asn664Ile; replaces asparagine 664 with isoleucine.
Molecular consequence: missense variant. On other transcripts: non-coding transcript variant (1).
Genome position (GRCh38, 1-based): chr19:50,320,772, T>A on the plus strand (A>T on the coding strand, the complement: KCNC3 is on the minus strand). VCF-style: chr19-50320772-T-A. GRCh37 (hg19) VCF-style: chr19-50824029-T-A.
Other names: c.1763A>T, p.Asn588Ile (NM_001372305.1); short protein forms N588I, N664I.
Identifiers: ClinVar variation 1708801 (VCV001708801.2), dbSNP rs199833067, ClinGen allele CA406948599.
Genomic context (GRCh38, chr19:50,320,772, plus strand): 5'-GCAGGCTGGTCAATGGCTGGGCAGTCCTCGTGGGCAAGCGCAGCTGCTGCCGGATCCCCA[T>A]TGGGGCGAGGATCTGCATCCCAAGGGGGTCAGACAGAGAGACAAAGGAGAGAGTGAGGTG-3'
Protein context (NP_004968.2, residues 654-674): IEINRADPRP[Asn664Ile]GDPAAAALAH

ClinVar aggregate classification (germline): Uncertain significance (1 of 4 stars; one submission).

gnomAD v4.1: 9 of 1,613,594 alleles (0.00056%); highest among the groups gnomAD compares: Non-Finnish European, 0.00076%; no homozygotes.

Submission:

GeneDx
Classification: Uncertain significance. Last evaluated: 2022-03-15. Review status: criteria provided, single submitter. Criteria: GeneDx Variant Classification Process June 2021. Collection method: clinical testing. Allele origin: germline. Affected: yes.
Comment: Not observed at significant frequency in large population cohorts (gnomAD); In silico analysis supports that this missense variant has a deleterious effect on protein structure/function; Has not been previously published as pathogenic or benign to our knowledge